The following is an entry in ClinVar:

ClinVar aggregate classification (germline): Uncertain significance (1 of 4 stars; one submission).

Conditions:
Familial adenomatous polyposis 1 (FAP1). Also called: FAMILIAL ADENOMATOUS POLYPOSIS 1, ATTENUATED; POLYPOSIS, ADENOMATOUS INTESTINAL. Identifiers: MedGen C2713442, MONDO:0021056, OMIM 175100. Disease mechanism: loss of function.

Submission:

Labcorp Genetics (formerly Invitae), Labcorp
Classification: Uncertain significance for Familial adenomatous polyposis 1. Last evaluated: 2021-09-02. Review status: criteria provided, single submitter. Criteria: Invitae Variant Classification Sherloc (09022015). Collection method: clinical testing. Allele origin: germline.
Comment: Algorithms developed to predict the effect of missense changes on protein structure and function are either unavailable or do not agree on the potential impact of this missense change (SIFT: "Deleterious"; PolyPhen-2: "Probably Damaging"; Align-GVGD: "Class C0"). In summary, the available evidence is currently insufficient to determine the role of this variant in disease. Therefore, it has been classified as a Variant of Uncertain Significance. This variant has not been reported in the literature in individuals affected with APC-related conditions. This sequence change replaces alanine with valine at codon 762 of the APC protein (p.Ala762Val). The alanine residue is highly conserved and there is a small physicochemical difference between alanine and valine. This variant is not present in population databases (ExAC no frequency).

NM_000038.6(APC):c.2285C>T (p.Ala762Val)

Gene: APC (APC regulator of Wnt signaling pathway; plus strand). Cytogenetic location: 5q22.2.
Variant type: single nucleotide variant.
Coding change: c.2285C>T on transcript NM_000038.6 (MANE Select); coding-DNA position 2285, C replaced by T.
Protein change: p.Ala762Val; replaces alanine 762 with valine.
Molecular consequence: missense variant.
Genome position (GRCh38, 1-based): chr5:112,837,879, C>T. VCF-style: chr5-112837879-C-T. GRCh37 (hg19) VCF-style: chr5-112173576-C-T.
Other names: c.1805C>T, p.Ala602Val (NM_001354905.2); c.1436C>T, p.Ala479Val (NM_001354906.2); c.2108C>T, p.Ala703Val (NM_001354901.2); c.2012C>T, p.Ala671Val (NM_001354902.2); c.1982C>T, p.Ala661Val (NM_001354903.2); c.1907C>T, p.Ala636Val (NM_001354904.2); c.2285C>T, p.Ala762Val (NM_001127510.3, NM_001354895.2); c.2231C>T, p.Ala744Val (NM_001127511.3); and 5 more; short protein forms A734V, A479V, A744V, A780V, A602V, A661V, A703V, A636V.
Identifiers: ClinVar variation 1517013 (VCV001517013.6), dbSNP rs2149865361, ClinGen allele CA16026339.